The following is an entry in ClinVar:

NM_013336.4(SEC61A1):c.646C>G (p.Leu216Val)

Genes: RUVBL1 (RuvB like AAA ATPase 1; minus strand), SEC61A1 (SEC61 translocon subunit alpha 1; plus strand). Cytogenetic location: 3q21.3.
Variant type: single nucleotide variant.
Coding change: c.646C>G on transcript NM_013336.4 (MANE Select); coding-DNA position 646, C replaced by G.
Protein change: p.Leu216Val; replaces leucine 216 with valine.
Molecular consequence: missense variant. On other transcripts: 3 prime UTR variant (1).
Genome position (GRCh38, 1-based): chr3:128,064,906, C>G. VCF-style: chr3-128064906-C-G. GRCh37 (hg19) VCF-style: chr3-127783749-C-G.
Other names: c.664C>G, p.Leu222Val (NM_001400328.1); c.487C>G, p.Leu163Val (NM_001400329.1); c.*306G>C (NM_001319086.1); short protein forms L163V, L216V, L222V.
Identifiers: ClinVar variation 1919031 (VCV001919031.5), dbSNP rs1354357334, ClinGen allele CA354397394.
Genomic context (GRCh38, chr3:128,064,906, plus strand): 5'-CCTTCATATATGTCTCCTCCTCTGCCAACAGGAATGGAATTTGAAGGTGCTATCATCGCA[C>G]TTTTCCATCTGCTGGCCACACGCACAGACAAGGTCCGAGCCCTTCGGGAGGCGTTCTACC-3'
Protein context (NP_037468.1, residues 206-226): GMEFEGAIIA[Leu216Val]FHLLATRTDK

ClinVar aggregate classification (germline): Uncertain significance. Review status: criteria provided, multiple submitters, no conflicts (2 of 4 stars). 2 submissions from 2 submitters: Uncertain significance (2). Last evaluated 2025-04-11.

Conditions:
Inborn genetic diseases. Identifiers: MedGen C0950123, MeSH D030342.

Allele frequency attached by ClinVar (database versions not stated): TOPMed 0.00001.
gnomAD v4.1: 27 of 1,612,202 alleles (0.0017%); highest among the groups gnomAD compares: Non-Finnish European, 0.0022%; no homozygotes.

Submissions (2):

Ambry Genetics
Classification: Uncertain significance for Inborn genetic diseases. Last evaluated: 2025-04-11. Review status: criteria provided, single submitter. Criteria: Ambry Variant Classification Scheme 2023. Collection method: clinical testing. Allele origin: germline.

Labcorp Genetics (formerly Invitae), Labcorp
Classification: Uncertain significance. Last evaluated: 2022-04-01. Review status: criteria provided, single submitter. Criteria: Invitae Variant Classification Sherloc (09022015). Collection method: clinical testing. Allele origin: germline.
Comment: In summary, the available evidence is currently insufficient to determine the role of this variant in disease. Therefore, it has been classified as a Variant of Uncertain Significance. Algorithms developed to predict the effect of sequence changes on RNA splicing suggest that this variant may create or strengthen a splice site. Algorithms developed to predict the effect of missense changes on protein structure and function are either unavailable or do not agree on the potential impact of this missense change (SIFT: "Deleterious"; PolyPhen-2: "Benign"; Align-GVGD: "Class C0"). This variant has not been reported in the literature in individuals affected with SEC61A1-related conditions. This variant is present in population databases (no rsID available, gnomAD no frequency). This sequence change replaces leucine, which is neutral and non-polar, with valine, which is neutral and non-polar, at codon 216 of the SEC61A1 protein (p.Leu216Val).